The following is an entry in ClinVar:

ClinVar aggregate classification (germline): Pathogenic (1 of 4 stars; one submission).

Submission:

GeneDx
Classification: Pathogenic. Last evaluated: 2024-03-29. Review status: criteria provided, single submitter. Criteria: GeneDx Variant Classification Process June 2021. Collection method: clinical testing. Allele origin: germline. Affected: yes.
Comment: In silico analysis supports that this missense variant has a deleterious effect on protein structure/function; Not observed at significant frequency in large population cohorts (gnomAD); This variant is associated with the following publications: (PMID: 31401500)

NM_006516.4(SLC2A1):c.940G>C (p.Gly314Arg)

Gene: SLC2A1 (solute carrier family 2 member 1; minus strand). Cytogenetic location: 1p34.2.
Variant type: single nucleotide variant.
Coding change: c.940G>C on transcript NM_006516.4 (MANE Select); coding-DNA position 940, G replaced by C.
Protein change: p.Gly314Arg; replaces glycine 314 with arginine.
Molecular consequence: missense variant.
Genome position (GRCh38, 1-based): chr1:42,929,242, C>G on the plus strand (G>C on the coding strand, the complement: SLC2A1 is on the minus strand). VCF-style: chr1-42929242-C-G. GRCh37 (hg19) VCF-style: chr1-43394913-C-G.
Other names: short protein forms G314R.
Identifiers: ClinVar variation 3342378 (VCV003342378.1).